The following is an entry in ClinVar:

ClinVar aggregate classification (germline): Uncertain significance. Review status: criteria provided, multiple submitters, no conflicts (2 of 4 stars). 3 submissions from 2 submitters: Uncertain significance (3). Last evaluated 2022-09-09.

Conditions:
Cardiovascular phenotype. Identifiers: MedGen CN230736.
Hereditary cancer-predisposing syndrome. Also called: Tumor predisposition; Hereditary Cancer Syndrome; Hereditary neoplastic syndrome; Neoplastic Syndromes, Hereditary. Identifiers: Orphanet 140162, MedGen C0027672, MeSH D009386, MONDO:0015356.
Neurofibromatosis, type 1 (NF1). Also called: VON RECKLINGHAUSEN DISEASE; NEUROFIBROMATOSIS, TYPE I, SOMATIC; Peripheral type neurofibromatosis; Neurofibromatosis, type I. Identifiers: Orphanet 636, MedGen C0027831, MONDO:0018975, OMIM 162200. Disease mechanism: loss of function.

Submissions (3):

Labcorp Genetics (formerly Invitae), Labcorp
Classification: Uncertain significance for Neurofibromatosis, type 1. Last evaluated: 2022-09-09. Review status: criteria provided, single submitter. Criteria: Invitae Variant Classification Sherloc (09022015). Collection method: clinical testing. Allele origin: germline.
Comment: In summary, the available evidence is currently insufficient to determine the role of this variant in disease. Therefore, it has been classified as a Variant of Uncertain Significance. Advanced modeling of protein sequence and biophysical properties (such as structural, functional, and spatial information, amino acid conservation, physicochemical variation, residue mobility, and thermodynamic stability) performed at Invitae indicates that this missense variant is not expected to disrupt NF1 protein function. ClinVar contains an entry for this variant (Variation ID: 184972). This variant has not been reported in the literature in individuals affected with NF1-related conditions. This variant is not present in population databases (gnomAD no frequency). This sequence change replaces valine, which is neutral and non-polar, with isoleucine, which is neutral and non-polar, at codon 744 of the NF1 protein (p.Val744Ile).

Ambry Genetics
Classification: Uncertain significance for Cardiovascular phenotype; Hereditary cancer-predisposing syndrome. Last evaluated: 2021-05-13. Review status: criteria provided, single submitter. Criteria: Ambry Variant Classification Scheme 2023. Collection method: clinical testing. Allele origin: germline.

Ambry Genetics
Classification: Uncertain significance for Hereditary cancer-predisposing syndrome. Last evaluated: 2014-05-29. Review status: criteria provided, single submitter. Criteria: Ambry Autosomal Dominant and X-Linked criteria (10/2015). Collection method: clinical testing. Allele origin: germline. Observed: 1 variant allele.
Comment: The p.V744I variant (also known as c.2230G>A), located in coding exon 18 of the NF1 gene, results from a G to A substitution at nucleotide position 2230. The valine at codon 744 is replaced by isoleucine, an amino acid with highly similar properties. This variant was not reported in population based cohorts in the following databases: Database of Single Nucleotide Polymorphisms (dbSNP), NHLBI Exome Sequencing Project (ESP), and 1000 Genomes Project.<span style="background-color: initial;">To date, this alteration has been detected with an allele frequency of approximately 0.02% (greater than 5000 alleles tested) in our clinical cohort (includes this individual). Based on protein sequence alignment, this amino acid position is highly conserved in available vertebrate species. In addition, this alteration is predicted to be tolerated by in silico analysis. Since supporting evidence is limited at this time, the clinical significance of p.V744I remains unclear.

NM_001042492.3(NF1):c.2230G>A (p.Val744Ile)

Gene: NF1 (neurofibromin 1; plus strand). Cytogenetic location: 17q11.2.
Variant type: single nucleotide variant.
Coding change: c.2230G>A on transcript NM_001042492.3 (MANE Select); coding-DNA position 2230, G replaced by A.
Protein change: p.Val744Ile; replaces valine 744 with isoleucine.
Molecular consequence: missense variant.
Genome position (GRCh38, 1-based): chr17:31,226,663, G>A. VCF-style: chr17-31226663-G-A. GRCh37 (hg19) VCF-style: chr17-29553681-G-A.
Other names: c.2230G>A, p.Val744Ile (NM_000267.4); short protein forms V744I.
Identifiers: ClinVar variation 184972 (VCV000184972.9), dbSNP rs786201833, ClinGen allele CA190631.